The following is an entry in ClinVar:

ClinVar aggregate classification (germline): Benign (1 of 4 stars; one submission).

Conditions:
Polycystic liver disease 2 (PCLD2). Also called: Polycystic liver disease 2 with or without kidney cysts. Identifiers: Orphanet 2924, MedGen C4310769, MONDO:0014860, OMIM 617004.

Allele frequency attached by ClinVar (database versions not stated): gnomAD 0.00417; 1000 Genomes Project 30x 0.00156; TOPMed 0.00241; 1000 Genomes Project 0.00160; gnomAD exomes 0.00399.
gnomAD v4.1: 622 of 185,976 alleles (0.33%); highest among the groups gnomAD compares: Non-Finnish European, 0.45%; 4 homozygotes.

Submission:

Illumina Laboratory Services, Illumina
Classification: Benign for Polycystic liver disease 2. Last evaluated: 2018-01-12. Review status: criteria provided, single submitter. Criteria: ICSL Variant Classification Criteria 13 December 2019. Collection method: clinical testing. Allele origin: germline.
Comment: This variant was observed in the ICSL laboratory as part of a predisposition screen in an ostensibly healthy population. It had not been previously curated by ICSL or reported in the Human Gene Mutation Database (HGMD: prior to June 1st, 2018), and was therefore a candidate for classification through an automated scoring system. Utilizing variant allele frequency, disease prevalence and penetrance estimates, and inheritance mode, an automated score was calculated to assess if this variant is too frequent to cause the disease. Based on the score and internal cut-off values, a variant classified as benign is not then subjected to further curation. The score for this variant resulted in a classification of benign for this disease.

NM_007214.5(SEC63):c.*411C>T

Gene: SEC63 (SEC63 homolog, protein translocation regulator; minus strand). Cytogenetic location: 6q21.
Variant type: single nucleotide variant.
Coding change: c.*411C>T on transcript NM_007214.5 (MANE Select); 411 bases downstream of the stop codon, C replaced by T.
Molecular consequence: 3 prime UTR variant.
Genome position (GRCh38, 1-based): chr6:107,871,293, G>A on the plus strand (C>T on the coding strand, the complement: SEC63 is on the minus strand). VCF-style: chr6-107871293-G-A. GRCh37 (hg19) VCF-style: chr6-108192497-G-A.
Identifiers: ClinVar variation 354881 (VCV000354881.5), dbSNP rs140498555, ClinGen allele CA10625608.
Genomic context (GRCh38, chr6:107,871,293, plus strand): 5'-TGTCAACAACAGAGCTTATCAAGAGATTATCAACTTGAGCGATGTTACTTAAACTTGAGC[G>A]ATGTTACTTAAAACATATTTGTGGTGTTTGCTAAAACTAAAGCTGAACAAAGAAAAGTCG-3'